The following is an entry in ClinVar:

ClinVar aggregate classification (germline): Pathogenic/Likely pathogenic. Review status: criteria provided, multiple submitters, no conflicts (2 of 4 stars). 2 submissions from 2 submitters: Pathogenic (1); Likely pathogenic (1). Last evaluated 2024-05-07.

Conditions:
Cohen syndrome (COH1). Also called: PEPPER SYNDROME; Cutis verticis gyrata, retinitis pigmentosa, and sensorineural deafness. Identifiers: Orphanet 193, MedGen C0265223, MONDO:0008999, OMIM 216550.

Submissions (2):

Natera, Inc.
Classification: Likely pathogenic for Cohen syndrome. Last evaluated: 2024-05-07. Review status: criteria provided, single submitter. Criteria: Natera Variant Classification Schema (03/2026). Collection method: clinical testing. Allele origin: germline.
Comment: The c.3664C>T variant in VPS13B is a nonsense variant predicted to introduce a stop codon at amino acid 1222. This variant is expected to result in nonsense mediated decay, truncation, or a dysfunctional protein product. This variant is rare in the general population with a frequency below the threshold expected for the associated phenotype(s). Given the available evidence, this variant is classified as Likely Pathogenic.

Labcorp Genetics (formerly Invitae), Labcorp
Classification: Pathogenic for Cohen syndrome. Last evaluated: 2020-06-17. Review status: criteria provided, single submitter. Criteria: Invitae Variant Classification Sherloc (09022015). Collection method: clinical testing. Allele origin: germline.
Comment: This sequence change creates a premature translational stop signal (p.Gln1222*) in the VPS13B gene. It is expected to result in an absent or disrupted protein product. This variant is not present in population databases (ExAC no frequency). This variant has not been reported in the literature in individuals with VPS13B-related conditions. Loss-of-function variants in VPS13B are known to be pathogenic (PMID: 15141358, 16648375, 20461111). For these reasons, this variant has been classified as Pathogenic.

Literature cited by the submitters: PubMed 15141358 (cited by Labcorp Genetics (formerly Invitae), Labcorp); PubMed 16648375 (cited by Labcorp Genetics (formerly Invitae), Labcorp); PubMed 20461111 (cited by Labcorp Genetics (formerly Invitae), Labcorp).

NM_152564.5(VPS13B):c.3664C>T (p.Gln1222Ter)

Gene: VPS13B (vacuolar protein sorting 13 homolog B; plus strand). Cytogenetic location: 8q22.2.
Variant type: single nucleotide variant.
Coding change: c.3664C>T on transcript NM_152564.5 (MANE Select); coding-DNA position 3664, C replaced by T.
Protein change: p.Gln1222Ter; replaces glutamine 1222 with a stop codon.
Molecular consequence: nonsense.
Genome position (GRCh38, 1-based): chr8:99,467,632, C>T. VCF-style: chr8-99467632-C-T. GRCh37 (hg19) VCF-style: chr8-100479860-C-T.
Other names: c.3664C>T (NM_017890.4); c.3664C>T, p.Gln1222Ter (NM_017890.5); short protein forms Q1222*.
Identifiers: ClinVar variation 1075593 (VCV001075593.8), dbSNP rs2133511511, ClinGen allele CA371866357.
Genomic context (GRCh38, chr8:99,467,632, plus strand): 5'-TCATTTGTTGTCTGTCTCCATGTTGACCTAGAGTCACTAGAGATAAAATGCTCTAATCCC[C>T]AGGTTGGTACATTTGATTTATGAAAGGAAATTTAAAGTAATGTGATTTAAAAGCAATTGT-3'